The following is an entry in ClinVar:

NM_198578.4(LRRK2):c.2798C>A (p.Ser933Tyr)

Gene: LRRK2 (leucine rich repeat kinase 2; plus strand). Cytogenetic location: 12q12.
Variant type: single nucleotide variant.
Coding change: c.2798C>A on transcript NM_198578.4 (MANE Select); coding-DNA position 2798, C replaced by A.
Protein change: p.Ser933Tyr; replaces serine 933 with tyrosine.
Molecular consequence: missense variant.
Genome position (GRCh38, 1-based): chr12:40,293,653, C>A. VCF-style: chr12-40293653-C-A. GRCh37 (hg19) VCF-style: chr12-40687455-C-A.
Other names: short protein forms S933Y.
Identifiers: ClinVar variation 3540562 (VCV003540562.1).

ClinVar aggregate classification (germline): Uncertain significance (1 of 4 stars; one submission).

Conditions:
Inborn genetic diseases. Identifiers: MedGen C0950123, MeSH D030342.

gnomAD v4.1: 3 of 1,602,040 alleles (0.00019%); highest among the groups gnomAD compares: South Asian, 0.0033%; no homozygotes.

Submission:

Ambry Genetics
Classification: Uncertain significance for Inborn genetic diseases. Last evaluated: 2024-07-03. Review status: criteria provided, single submitter. Criteria: Ambry Variant Classification Scheme 2023. Collection method: clinical testing. Allele origin: germline.
Comment: The p.S933Y variant (also known as c.2798C>A), located in coding exon 21 of the LRRK2 gene, results from a C to A substitution at nucleotide position 2798. The serine at codon 933 is replaced by tyrosine, an amino acid with dissimilar properties. This amino acid position is conserved. In addition, the in silico prediction for this alteration is inconclusive. Based on the available evidence, the clinical significance of this variant remains unclear.